The following is an entry in ClinVar:

ClinVar aggregate classification (germline): Uncertain significance (1 of 4 stars; one submission).

gnomAD v4.1: 62 of 1,614,090 alleles (0.0038%); highest among the groups gnomAD compares: Non-Finnish European, 0.0053%; no homozygotes.

Submission:

Labcorp Genetics (formerly Invitae), Labcorp
Classification: Uncertain significance. Last evaluated: 2025-07-23. Review status: criteria provided, single submitter. Criteria: Invitae Variant Classification Sherloc (09022015). Collection method: clinical testing. Allele origin: germline.
Comment: This sequence change replaces histidine, which is basic and polar, with glutamine, which is neutral and polar, at codon 32 of the OAS1 protein (p.His32Gln). This variant is present in population databases (rs371488150, gnomAD 0.004%). This variant has not been reported in the literature in individuals affected with OAS1-related conditions. An algorithm developed to predict the effect of missense changes on protein structure and function outputs the following: PolyPhen-2: "Benign". The glutamine amino acid residue is found in multiple mammalian species, which suggests that this missense change does not adversely affect protein function. In summary, the available evidence is currently insufficient to determine the role of this variant in disease. Therefore, it has been classified as a Variant of Uncertain Significance.

NM_016816.4(OAS1):c.96T>A (p.His32Gln)

Genes: OAS1 (2'-5'-oligoadenylate synthetase 1; plus strand), LOC130008812 (ATAC-STARR-seq lymphoblastoid active region 7052; plus strand). Cytogenetic location: 12q24.13.
Variant type: single nucleotide variant.
Coding change: c.96T>A on transcript NM_016816.4 (MANE Select); coding-DNA position 96, T replaced by A.
Protein change: p.His32Gln; replaces histidine 32 with glutamine.
Molecular consequence: missense variant. On other transcripts: non-coding transcript variant (9).
Genome position (GRCh38, 1-based): chr12:112,907,135, T>A. VCF-style: chr12-112907135-T-A. GRCh37 (hg19) VCF-style: chr12-113344940-T-A.
Other names: c.96T>A, p.His32Gln (NM_001032409.3, NM_001320151.2, NM_001406020.1 and 10 more transcripts); short protein forms H32Q.
Identifiers: ClinVar variation 4707548 (VCV004707548.1).